The following is an entry in ClinVar:

ClinVar aggregate classification (germline): Uncertain significance. Review status: criteria provided, multiple submitters, no conflicts (2 of 4 stars). 2 submissions from 2 submitters: Uncertain significance (2). Last evaluated 2025-01-08.

Conditions:
Inborn genetic diseases. Identifiers: MedGen C0950123, MeSH D030342.

Allele frequency attached by ClinVar (database versions not stated): TOPMed 0.00001.
gnomAD v4.1: 23 of 1,614,012 alleles (0.0014%); highest among the groups gnomAD compares: Non-Finnish European, 0.00068%; no homozygotes.

Submissions (2):

Ambry Genetics
Classification: Uncertain significance for Inborn genetic diseases. Last evaluated: 2025-01-08. Review status: criteria provided, single submitter. Criteria: Ambry Variant Classification Scheme 2023. Collection method: clinical testing. Allele origin: germline.
Comment: The p.R252S variant (also known as c.754C>A), located in coding exon 7 of the USB1 gene, results from a C to A substitution at nucleotide position 754. The arginine at codon 252 is replaced by serine, an amino acid with dissimilar properties. This amino acid position is conserved. In addition, the in silico prediction for this alteration is inconclusive. Based on the available evidence, the clinical significance of this variant remains unclear.

Labcorp Genetics (formerly Invitae), Labcorp
Classification: Uncertain significance. Last evaluated: 2024-04-29. Review status: criteria provided, single submitter. Criteria: Invitae Variant Classification Sherloc (09022015). Collection method: clinical testing. Allele origin: germline.
Comment: This sequence change replaces arginine, which is basic and polar, with serine, which is neutral and polar, at codon 252 of the USB1 protein (p.Arg252Ser). This variant is present in population databases (rs146419360, gnomAD 0.07%). This variant has not been reported in the literature in individuals affected with USB1-related conditions. ClinVar contains an entry for this variant (Variation ID: 843594). Advanced modeling of protein sequence and biophysical properties (such as structural, functional, and spatial information, amino acid conservation, physicochemical variation, residue mobility, and thermodynamic stability) performed at Invitae indicates that this missense variant is not expected to disrupt USB1 protein function with a negative predictive value of 80%. In summary, the available evidence is currently insufficient to determine the role of this variant in disease. Therefore, it has been classified as a Variant of Uncertain Significance.

NM_024598.4(USB1):c.754C>A (p.Arg252Ser)

Gene: USB1 (U6 snRNA biogenesis phosphodiesterase 1; plus strand). Cytogenetic location: 16q21.
Variant type: single nucleotide variant.
Coding change: c.754C>A on transcript NM_024598.4 (MANE Select); coding-DNA position 754, C replaced by A.
Protein change: p.Arg252Ser; replaces arginine 252 with serine.
Molecular consequence: missense variant.
Genome position (GRCh38, 1-based): chr16:58,020,201, C>A. VCF-style: chr16-58020201-C-A. GRCh37 (hg19) VCF-style: chr16-58054105-C-A.
Other names: c.700C>A, p.Arg234Ser (NM_001195302.2); c.601C>A, p.Arg201Ser (NM_001330568.2); short protein forms R234S, R252S, R201S.
Identifiers: ClinVar variation 843594 (VCV000843594.9), dbSNP rs146419360, ClinGen allele CA8085050.
Genomic context (GRCh38, chr16:58,020,201, plus strand): 5'-GCAATCGTGGATGGGTTTGAAGATGCTGAGGTGCTGCTGCGCGTGCACACTGAGCAAGTC[C>A]GCTGCAAGTCTGGGAACAAGTTCTTCTCGATGCCTTTGAAGTGAGCACCAGAGGCCTTCC-3'
Protein context (NP_078874.2, residues 242-262): VLLRVHTEQV[Arg252Ser]CKSGNKFFSM